The following is an entry in ClinVar:

ClinVar aggregate classification (germline): Uncertain significance. Review status: criteria provided, multiple submitters, no conflicts (2 of 4 stars). 9 submissions from 9 submitters: Uncertain significance (9). Last evaluated 2025-12-24.

Conditions:
Hereditary nonpolyposis colorectal neoplasms. Identifiers: MedGen C0009405, MeSH D003123.
Hereditary cancer-predisposing syndrome. Also called: Tumor predisposition; Hereditary neoplastic syndrome; Hereditary Cancer Syndrome; Neoplastic Syndromes, Hereditary. Identifiers: Orphanet 140162, MedGen C0027672, MeSH D009386, MONDO:0015356.
Lynch syndrome 4 (LYNCH4). Also called: Hereditary non-polyposis colorectal cancer, type 4; Colorectal cancer, hereditary nonpolyposis, type 4. Identifiers: Orphanet 144, MedGen C1838333, MONDO:0013699, OMIM 614337. Disease mechanism: loss of function.
Mismatch repair cancer syndrome 4. Identifiers: MedGen C5436817, MONDO:0030843, OMIM 619101.
Lynch syndrome. Identifiers: Orphanet 144, MedGen C4552100, MONDO:0005835. Disease mechanism: loss of function.

Allele frequency attached by ClinVar (database versions not stated): gnomAD 0.00001; TOPMed 0.00001; gnomAD exomes 0.00002; ExAC 0.00003.
gnomAD v4.1: 5 of 1,590,540 alleles (0.00031%); highest among the groups gnomAD compares: South Asian, 0.0011%; no homozygotes.

Submissions (9):

Labcorp Genetics (formerly Invitae), Labcorp
Classification: Uncertain significance for Hereditary nonpolyposis colorectal neoplasms. Last evaluated: 2025-12-24. Review status: criteria provided, single submitter. Criteria: Invitae Variant Classification Sherloc (09022015). Collection method: clinical testing. Allele origin: germline.
Comment: This sequence change replaces glycine, which is neutral and non-polar, with serine, which is neutral and polar, at codon 82 of the PMS2 protein (p.Gly82Ser). This variant is present in population databases (rs754191682, gnomAD 0.003%). This variant has not been reported in the literature in individuals affected with PMS2-related conditions. ClinVar contains an entry for this variant (Variation ID: 237909). Invitae Evidence Modeling incorporating data from in vitro experimental studies (internal data) indicates that this missense variant is not expected to disrupt PMS2 function with a negative predictive value of 95%. In summary, the available evidence is currently insufficient to determine the role of this variant in disease. Therefore, it has been classified as a Variant of Uncertain Significance.

Ambry Genetics
Classification: Uncertain significance for Hereditary cancer-predisposing syndrome. Last evaluated: 2025-12-15. Review status: criteria provided, single submitter. Criteria: Ambry Variant Classification Scheme 2023. Collection method: clinical testing. Allele origin: germline.
Comment: The p.G82S variant (also known as c.244G>A), located in coding exon 3 of the PMS2 gene, results from a G to A substitution at nucleotide position 244. The glycine at codon 82 is replaced by serine, an amino acid with similar properties. This amino acid position is highly conserved in available vertebrate species. In addition, this alteration is predicted to be deleterious by in silico analysis. Since supporting evidence is limited at this time, the clinical significance of this alteration remains unclear.

Women's Health and Genetics/Laboratory Corporation of America, LabCorp
Classification: Uncertain significance. Last evaluated: 2024-05-28. Review status: criteria provided, single submitter. Criteria: LabCorp Variant Classification Summary - May 2015. Collection method: clinical testing. Allele origin: germline.
Comment: Variant summary: PMS2 c.244G>A (p.Gly82Ser) results in a non-conservative amino acid change in the encoded protein sequence. Three of five in-silico tools predict a damaging effect of the variant on protein function. The variant allele was found at a frequency of 1.6e-05 in 250808 control chromosomes (gnomAD). The available data on variant occurrences in the general population are insufficient to allow any conclusion about variant significance. c.244G>A has been reported in the literature in individuals affected with skin cutaneous melanoma and breast cancer (e.g. Yehia_2018, Akcay_2021). These reports do not provide unequivocal conclusions about association of the variant with Hereditary Nonpolyposis Colorectal Cancer. To our knowledge, no experimental evidence demonstrating an impact on protein function has been reported. The following publications have been ascertained in the context of this evaluation (PMID: 29684080, 30122538, 32658311). ClinVar contains an entry for this variant (Variation ID: 237909). Based on the evidence outlined above, the variant was classified as uncertain significance.

All of Us Research Program, National Institutes of Health
Classification: Uncertain significance for Lynch syndrome. Last evaluated: 2024-03-05. Review status: criteria provided, single submitter. Criteria: ACMG Guidelines, 2015. Collection method: clinical testing. Allele origin: germline. Inheritance: Autosomal dominant inheritance. Observed: 1 variant allele, 1 heterozygote.
Comment: This missense variant replaces glycine with serine at codon 82 of the PMS2 protein. Computational prediction suggests that this variant may have deleterious impact on protein structure and function (internally defined REVEL score threshold >= 0.7, PMID: 27666373). To our knowledge, functional studies have not been performed for this variant. This variant has been reported in individuals affected with melanoma (PMID: 29684080), or breast cancer (PMID: 32658311). This variant has been identified in 5/282210 chromosomes in the general population by the Genome Aggregation Database (gnomAD). The available evidence is insufficient to determine the role of this variant in disease conclusively. Therefore, this variant is classified as a Variant of Uncertain Significance.

This study involves interpretation of variants in research participants for the purpose of population health screening. Participant phenotype was not available at the time of variant classification. Additional details can be found in publication PMID: 35346344, PMCID: PMC8962531

Color Diagnostics, LLC DBA Color Health
Classification: Uncertain significance for Hereditary cancer-predisposing syndrome. Last evaluated: 2024-02-12. Review status: criteria provided, single submitter. Criteria: ACMG Guidelines, 2015. Collection method: clinical testing. Allele origin: germline.
Comment: This missense variant replaces glycine with serine at codon 82 of the PMS2 protein. Computational prediction suggests that this variant may have deleterious impact on protein structure and function (internally defined REVEL score threshold >= 0.7, PMID: 27666373). To our knowledge, functional studies have not been performed for this variant. This variant has been reported in individuals affected with melanoma (PMID: 29684080) and breast cancer (PMID: 32658311). This variant has been identified in 5/282210 chromosomes in the general population by the Genome Aggregation Database (gnomAD). The available evidence is insufficient to determine the role of this variant in disease conclusively. Therefore, this variant is classified as a Variant of Uncertain Significance.

Quest Diagnostics Nichols Institute San Juan Capistrano
Classification: Uncertain significance. Last evaluated: 2022-10-21. Review status: criteria provided, single submitter. Criteria: Quest Diagnostics criteria. Collection method: clinical testing. Allele origin: unknown.
Comment: The frequency of this variant in the general population, 0.000031 (4/128730 chromosomes), is uninformative in assessment of its pathogenicity. In the published literature, the variant has been reported in an individual with breast cancer (PMID: 32658311 (2021)) and skin melanoma (PMID: 29684080 (2018)). Analysis of this variant using bioinformatics tools for the prediction of the effect of amino acid changes on protein structure and function yielded predictions that this variant is damaging. Based on the available information, we are unable to determine the clinical significance of this variant.

Sema4
Classification: Uncertain significance for Hereditary cancer-predisposing syndrome. Last evaluated: 2021-06-23. Review status: criteria provided, single submitter. Criteria: Sema4 Curation Guidelines. Collection method: curation. Allele origin: germline.
Comment: The PMS2 c.244G>A (p.G82S) variant has been reported in individuals with melanoma and breast cancer (PMID: 29684080, 32658311). It was observed in 1/30612 chromosomes of the South Asian subpopulation in the large and broad cohorts of the Genome Aggregation Database (PMID: 32461654). The variant has been reported in ClinVar (Variation ID 237909). In silico tools suggest the impact of the variant on protein function is deleterious though these predictions have not been confirmed by functional studies. The evidence is insufficient to meet ACMG/AMP criteria for classifying the variant as benign or pathogenic. Thus, the clinical significance of this variant is currently uncertain.

Department of Pathology and Laboratory Medicine, Sinai Health System
Classification: Uncertain significance for Lynch syndrome 4; Mismatch repair cancer syndrome 4. Last evaluated: 2020-04-15. Review status: criteria provided, single submitter. Criteria: ACMG Guidelines, 2015. Collection method: clinical testing. Allele origin: germline. Affected: no.

GeneDx
Classification: Uncertain significance. Last evaluated: 2019-06-11. Review status: criteria provided, single submitter. Criteria: GeneDx Variant Classification Process June 2021. Collection method: clinical testing. Allele origin: germline. Affected: yes.
Comment: Has not been previously published as pathogenic or benign to our knowledge; This variant is associated with the following publications: (PMID: 30122538)

Literature cited by the submitters: PubMed 29684080 (cited by 5 submitters); PubMed 30122538 (cited by Women's Health and Genetics/Laboratory Corporation of America, LabCorp); PubMed 32658311 (cited by 5 submitters).

NM_000535.7(PMS2):c.244G>A (p.Gly82Ser)

Gene: PMS2 (PMS1 homolog 2, mismatch repair system component; minus strand). Cytogenetic location: 7p22.1.
Variant type: single nucleotide variant.
Coding change: c.244G>A on transcript NM_000535.7 (MANE Select); coding-DNA position 244, G replaced by A.
Protein change: p.Gly82Ser; replaces glycine 82 with serine.
Molecular consequence: missense variant. On other transcripts: 5 prime UTR variant (9), non-coding transcript variant (1).
Genome position (GRCh38, 1-based): chr7:6,003,978, C>T on the plus strand (G>A on the coding strand, the complement: PMS2 is on the minus strand). VCF-style: chr7-6003978-C-T. GRCh37 (hg19) VCF-style: chr7-6043609-C-T.
Other names: c.-162G>A (NM_001322003.2, NM_001322004.2, NM_001322005.2 and 3 more transcripts); c.244G>A, p.Gly82Ser (NM_001322006.2, NM_001322014.2); c.29G>A, p.Arg10Lys (NM_001322007.2, NM_001322008.2); c.-641G>A (NM_001322011.2, NM_001322012.2); c.-241G>A (NM_001322015.2); short protein forms G82S, R10K.
Identifiers: ClinVar variation 237909 (VCV000237909.30), dbSNP rs754191682, ClinGen allele CA048342.